The following is an entry in ClinVar:

ClinVar aggregate classification (germline): Uncertain significance (1 of 4 stars; one submission).

Conditions:
Imerslund-Grasbeck syndrome. Also called: Imerslund-Gräsbeck syndrome; ENTEROCYTE COBALAMIN MALABSORPTION; ENTEROCYTE INTRINSIC FACTOR RECEPTOR, DEFECT OF; PERNICIOUS ANEMIA, JUVENILE, DUE TO SELECTIVE INTESTINAL MALABSORPTION OF VITAMIN B12, WITH PROTEINURIA; Megaloblastic anemia due to inborn errors of metabolism. Identifiers: Orphanet 35858, MedGen C4551825, MONDO:0009853.

Allele frequency attached by ClinVar (database versions not stated): ExAC 0.00001; gnomAD 0.00001; gnomAD exomes 0.00001; TOPMed 0.00001.
gnomAD v4.1: 11 of 1,612,364 alleles (0.00068%); highest among the groups gnomAD compares: Non-Finnish European, 0.00093%; no homozygotes.

Submission:

Labcorp Genetics (formerly Invitae), Labcorp
Classification: Uncertain significance for Imerslund-Grasbeck syndrome. Last evaluated: 2025-06-20. Review status: criteria provided, single submitter. Criteria: Invitae Variant Classification Sherloc (09022015). Collection method: clinical testing. Allele origin: germline.
Comment: This sequence change replaces cysteine, which is neutral and slightly polar, with tyrosine, which is neutral and polar, at codon 1510 of the CUBN protein (p.Cys1510Tyr). The frequency data for this variant in the population databases is considered unreliable, as metrics indicate poor data quality at this position in the gnomAD database. This variant has not been reported in the literature in individuals affected with CUBN-related conditions. ClinVar contains an entry for this variant (Variation ID: 1942585). Invitae Evidence Modeling of protein sequence and biophysical properties (such as structural, functional, and spatial information, amino acid conservation, physicochemical variation, residue mobility, and thermodynamic stability) indicates that this missense variant is expected to disrupt CUBN protein function with a positive predictive value of 80%. In summary, the available evidence is currently insufficient to determine the role of this variant in disease. Therefore, it has been classified as a Variant of Uncertain Significance.

NM_001081.4(CUBN):c.4529G>A (p.Cys1510Tyr)

Gene: CUBN (cubilin; minus strand). Cytogenetic location: 10p13.
Variant type: single nucleotide variant.
Coding change: c.4529G>A on transcript NM_001081.4 (MANE Select); coding-DNA position 4529, G replaced by A.
Protein change: p.Cys1510Tyr; replaces cysteine 1510 with tyrosine.
Molecular consequence: missense variant.
Genome position (GRCh38, 1-based): chr10:16,982,650, C>T on the plus strand (G>A on the coding strand, the complement: CUBN is on the minus strand). VCF-style: chr10-16982650-C-T. GRCh37 (hg19) VCF-style: chr10-17024649-C-T.
Other names: short protein forms C1510Y.
Identifiers: ClinVar variation 1942585 (VCV001942585.5), dbSNP rs765250352, ClinGen allele CA5424338.
Genomic context (GRCh38, chr10:16,982,650, plus strand): 5'-TAAGGACTGGGGTAATTTGGAGAATGAATCTCTCCACTGGGAGCCTGGAAAATCCCACCA[C>T]AACCTGGAAGTGGGGAACACAATTATTTCATGAGAGGAATCATGGATGCTCGAAAATAAT-3'
Protein context (NP_001072.2, residues 1500-1520): NASWQAVTGG[Cys1510Tyr]GGIFQAPSGE